The following is an entry in ClinVar:

ClinVar aggregate classification (germline): Uncertain significance (1 of 4 stars; one submission).

Conditions:
Long QT syndrome (LQTS). Identifiers: MedGen C0023976, MeSH D008133, MONDO:0002442. Disease mechanism: loss of function. Inheritance: Various modes of inheritance.

Allele frequency attached by ClinVar (database versions not stated): gnomAD exomes 0.00001.
gnomAD v4.1: 18 of 1,613,876 alleles (0.0011%); highest among the groups gnomAD compares: Non-Finnish European, 0.0014%; no homozygotes.

Submission:

Labcorp Genetics (formerly Invitae), Labcorp
Classification: Uncertain significance for Long QT syndrome. Last evaluated: 2024-12-18. Review status: criteria provided, single submitter. Criteria: Invitae Variant Classification Sherloc (09022015). Collection method: clinical testing. Allele origin: germline.
Comment: This sequence change replaces proline, which is neutral and non-polar, with leucine, which is neutral and non-polar, at codon 1755 of the CACNA1C protein (p.Pro1755Leu). This variant is not present in population databases (gnomAD no frequency). This variant has not been reported in the literature in individuals affected with CACNA1C-related conditions. ClinVar contains an entry for this variant (Variation ID: 1348718). Invitae Evidence Modeling of protein sequence and biophysical properties (such as structural, functional, and spatial information, amino acid conservation, physicochemical variation, residue mobility, and thermodynamic stability) indicates that this missense variant is not expected to disrupt CACNA1C protein function with a negative predictive value of 95%. In summary, the available evidence is currently insufficient to determine the role of this variant in disease. Therefore, it has been classified as a Variant of Uncertain Significance.

NM_000719.7(CACNA1C):c.5264C>T (p.Pro1755Leu)

Genes: CACNA1C (calcium voltage-gated channel subunit alpha1 C; plus strand), CACNA1C-AS1 (CACNA1C antisense RNA 1; minus strand). Cytogenetic location: 12p13.33.
Variant type: single nucleotide variant.
Coding change: c.5264C>T on transcript NM_000719.7 (MANE Select); coding-DNA position 5264, C replaced by T.
Protein change: p.Pro1755Leu; replaces proline 1755 with leucine.
Molecular consequence: missense variant.
Genome position (GRCh38, 1-based): chr12:2,679,616, C>T. VCF-style: chr12-2679616-C-T. GRCh37 (hg19) VCF-style: chr12-2788782-C-T.
Other names: c.5408C>T, p.Pro1803Leu (NM_001129827.2, NM_199460.4); c.5387C>T, p.Pro1796Leu (NM_001129829.2); c.5264C>T, p.Pro1755Leu (NM_001129830.3, NM_001129840.2, NM_001129841.2 and 4 more transcripts); c.5348C>T, p.Pro1783Leu (NM_001129831.2); c.5324C>T, p.Pro1775Leu (NM_001129832.2); c.5321C>T, p.Pro1774Leu (NM_001129833.2, NM_001129834.2, NM_001129835.2); c.5315C>T, p.Pro1772Leu (NM_001129836.2); c.5288C>T, p.Pro1763Leu (NM_001129837.2, NM_001129838.2); and 3 more; short protein forms P1744L, P1755L, P1775L, P1752L, P1761L, P1774L, P1783L, P1803L.
Identifiers: ClinVar variation 1348718 (VCV001348718.6), dbSNP rs755513147, ClinGen allele CA231611086.
Genomic context (GRCh38, chr12:2,679,616, plus strand): 5'-GCAGCCAGGGCGACACTGAGTCGCCATCCCACGAGAAGCTGGTGGACTCCACCTTCACCC[C>T]GAGCAGCTACTCGTCCACCGGCTCCAACGCCAACATCAACAACGCCAACAACACCGCCCT-3'
Protein context (NP_000710.5, residues 1745-1765): HEKLVDSTFT[Pro1755Leu]SSYSSTGSNA